The following is an entry in ClinVar:

ClinVar aggregate classification (germline): Likely benign (1 of 4 stars; one submission).

gnomAD v4.1: 6 of 1,612,902 alleles (0.00037%); highest among the groups gnomAD compares: South Asian, 0.0011%; no homozygotes.

Submission:

CeGaT Center for Human Genetics Tuebingen
Classification: Likely benign. Last evaluated: 2026-02-01. Review status: criteria provided, single submitter. Criteria: CeGaT Center For Human Genetics Tuebingen Variant Classification Criteria Version 2. Collection method: clinical testing. Allele origin: germline. Affected: yes. Observed: 1 variant allele.
Comment: GNA11: BP4, BP7

NM_002067.5(GNA11):c.522C>T (p.Pro174=)

Gene: GNA11 (G protein subunit alpha 11; plus strand). Cytogenetic location: 19p13.3.
Variant type: single nucleotide variant.
Coding change: c.522C>T on transcript NM_002067.5 (MANE Select); coding-DNA position 522, C replaced by T.
Protein change: p.Pro174=; no amino-acid change (proline 174 retained).
Molecular consequence: synonymous variant.
Genome position (GRCh38, 1-based): chr19:3,114,989, C>T. VCF-style: chr19-3114989-C-T. GRCh37 (hg19) VCF-style: chr19-3114987-C-T.
Identifiers: ClinVar variation 4823577 (VCV004823577.4).